The following is an entry in ClinVar:

ClinVar aggregate classification (germline): Uncertain significance (1 of 4 stars; one submission).

Submission:

GeneDx
Classification: Uncertain significance. Last evaluated: 2013-12-16. Review status: criteria provided, single submitter. Criteria: GeneDx Variant Classification (06012015). Collection method: clinical testing. Allele origin: germline. Affected: yes.
Comment: p.Lys673Lys (AAG>AAA): c.2019 G>A in exon 14 of the ABCC9 gene (NM_020297.2). Although the c.2019 G>A variant has not been reported as a disease-causing mutation or as a benign polymorphism to our knowledge, this variant may alter or abolish the canonical splice donor site in intron 14 and may cause abnormal gene splicing. This variant, which alters the last base of exon 14, immediately 5' of the canonical GT" of the splice donor site, may lead to either an abnormal message that is subject to nonsense-mediated mRNA decay, or to an abnormal protein product if the message is used for protein translation. However, no other splice site mutations in the ABCC9 gene have been reported in association with cardiomyopathy. With the clinical and molecular information available, it is unclear if c.2019 G>A is a disease-causing mutation or a rare benign variant and it is interpreted to be a variant of unknown significance. The variant is found in CARDIOMYOPATHY panel(s)."

NM_020297.4(ABCC9):c.2019G>A (p.Lys673=)

Gene: ABCC9 (ATP binding cassette subfamily C member 9; minus strand). Cytogenetic location: 12p12.1.
Variant type: single nucleotide variant.
Coding change: c.2019G>A on transcript NM_020297.4 (MANE Select); coding-DNA position 2019, G replaced by A.
Protein change: p.Lys673=; no amino-acid change (lysine 673 retained).
Molecular consequence: synonymous variant.
Genome position (GRCh38, 1-based): chr12:21,882,766, C>T on the plus strand (G>A on the coding strand, the complement: ABCC9 is on the minus strand). VCF-style: chr12-21882766-C-T. GRCh37 (hg19) VCF-style: chr12-22035700-C-T.
Other names: p.K673K:AAG>AAA; c.2019G>A, p.Lys673= (NM_001377273.1, NM_005691.4); c.1155G>A, p.Lys385= (NM_001377274.1).
Identifiers: ClinVar variation 201616 (VCV000201616.2), dbSNP rs794728954, ClinGen allele CA308185.